The following is an entry in ClinVar:

NM_000051.4(ATM):c.4910-1G>T

Gene: ATM (ATM serine/threonine kinase; plus strand). Cytogenetic location: 11q22.3.
Variant type: single nucleotide variant.
Coding change: c.4910-1G>T on transcript NM_000051.4 (MANE Select); the canonical splice acceptor site of the intron before coding-DNA position 4910, G replaced by T.
Molecular consequence: splice acceptor variant.
Genome position (GRCh38, 1-based): chr11:108,297,286, G>T. VCF-style: chr11-108297286-G-T. GRCh37 (hg19) VCF-style: chr11-108168013-G-T.
Other names: c.4910-1G>T (NM_001351834.2).
Identifiers: ClinVar variation 407727 (VCV000407727.28), dbSNP rs1060501706, ClinGen allele CA16613425.
Genomic context (GRCh38, chr11:108,297,286, plus strand): 5'-TTATAAACAAAAGTGTTGTCTTCATGCTAGTTTAAACTAATTTTTAAAAAATTATTTCTA[G>T]ATAATCCGCAAGATGGGATTATGGTGAAACTAGTTGTCAATTTGTTGCAGTTATCCAAGA-3'

ClinVar aggregate classification (germline): Likely pathogenic. Review status: criteria provided, multiple submitters, no conflicts (2 of 4 stars). 4 submissions from 4 submitters: Likely pathogenic (3). 1 of the submissions does not count toward it. Last evaluated 2024-01-25.

Conditions:
ATM-related disorder. Also called: ATM-related disorders; ATM-related condition.
Ataxia-telangiectasia syndrome (AT). Also called: LOUIS-BAR SYNDROME; Ataxia-telangiectasia, complementation group E; ATAXIA-TELANGIECTASIA, COMPLEMENTATION GROUP A; ATAXIA-TELANGIECTASIA, FRESNO VARIANT; Ataxia-telangiectasia; Ataxia telangiectasia (A-T). Identifiers: Orphanet 100, MedGen C0004135, MONDO:0008840, OMIM 208900.
Familial cancer of breast. Also called: hereditary breast carcinoma; BREAST CANCER, FAMILIAL; Hereditary breast cancer. Identifiers: Orphanet 227535, MedGen C0346153, MONDO:0016419, OMIM 114480. Disease mechanism: loss of function.

Submissions (4):

Myriad Genetics, Inc.
Classification: Likely pathogenic for Familial cancer of breast. Last evaluated: 2024-01-25. Review status: criteria provided, single submitter. Criteria: Myriad Autosomal Dominant, Autosomal Recessive and X-Linked Classification Criteria (2023). Collection method: clinical testing. Allele origin: unknown.
Comment: This variant is considered likely pathogenic. This variant occurs within a consensus splice junction and is predicted to result in abnormal mRNA splicing of either an out-of-frame exon or an in-frame exon necessary for protein stability and/or normal function.

Labcorp Genetics (formerly Invitae), Labcorp
Classification: Likely pathogenic for Ataxia-telangiectasia syndrome. Last evaluated: 2021-01-28. Review status: criteria provided, single submitter. Criteria: Invitae Variant Classification Sherloc (09022015). Collection method: clinical testing. Allele origin: germline.
Comment: This variant has not been reported in the literature in individuals with a ATM-related disease. This sequence change affects an acceptor splice site in intron 32 of the ATM gene. It is expected to disrupt RNA splicing and likely results in an absent or disrupted protein product. In summary, donor and acceptor splice site variants are typically loss-of-function (PMID: 16199547), and loss-of-function variants in ATM are known to be pathogenic (PMID: 10817650, 19781682). However, without additional functional and/or genetic data, this variant has been classified as Likely Pathogenic.

Blueprint Genetics
Classification: Likely pathogenic for ATM-related disorders. Last evaluated: 2020-08-17. Review status: criteria provided, single submitter. Criteria: ACMG Guidelines, 2015. Collection method: clinical testing. Allele origin: germline. Affected: yes. Observed: 2 variant alleles.

BRCAlab, Lund University
Classification: Likely pathogenic for Familial cancer of breast. Last evaluated: 2022-08-26. Review status: no assertion criteria provided. Collection method: clinical testing. Allele origin: germline. Affected: yes. Not counted in ClinVar's aggregate classification.

Literature cited by the submitters: PubMed 16199547 (cited by Labcorp Genetics (formerly Invitae), Labcorp); PubMed 10817650 (cited by Labcorp Genetics (formerly Invitae), Labcorp); PubMed 19781682 (cited by Labcorp Genetics (formerly Invitae), Labcorp).